The following is an entry in ClinVar:

NM_000426.4(LAMA2):c.4993G>T (p.Gly1665Ter)

Gene: LAMA2 (laminin subunit alpha 2; plus strand). Cytogenetic location: 6q22.33.
Variant type: single nucleotide variant.
Coding change: c.4993G>T on transcript NM_000426.4 (MANE Select); coding-DNA position 4993, G replaced by T.
Protein change: p.Gly1665Ter; replaces glycine 1665 with a stop codon.
Molecular consequence: nonsense.
Genome position (GRCh38, 1-based): chr6:129,383,155, G>T. VCF-style: chr6-129383155-G-T. GRCh37 (hg19) VCF-style: chr6-129704300-G-T.
Other names: c.4993G>T, p.Gly1665Ter (NM_001079823.2); short protein forms G1665*.
Identifiers: ClinVar variation 984089 (VCV000984089.4), dbSNP rs373997222, ClinGen allele CA365628563.

ClinVar aggregate classification (germline): Likely pathogenic (1 of 4 stars; one submission).

Conditions:
LAMA2-related muscular dystrophy (LAMA2-RD). Also called: Laminin alpha 2-related dystrophy. Identifiers: MedGen C5679788, MONDO:0100228.

Submission:

Myriad Genetics, Inc.
Classification: Likely pathogenic for LAMA2-related muscular dystrophy. Last evaluated: 2019-01-29. Review status: criteria provided, single submitter. Criteria: Myriad Autosomal Dominant, Autosomal Recessive and X-Linked Classification Criteria (2023). Collection method: clinical testing. Allele origin: unknown.
Comment: NM_000426.3(LAMA2):c.4993G>T(G1665*) is expected to be pathogenic in the context of LAMA2-related muscular dystrophy. This variant is predicted to lead to an abnormal or absent protein product due to the creation of a premature termination codon in LAMA2, a gene where loss-of-function variants are known to be pathogenic. Please note: this variant was assessed in the context of healthy population screening.